The following is an entry in ClinVar:

ClinVar aggregate classification (germline): Uncertain significance. Review status: criteria provided, multiple submitters, no conflicts (2 of 4 stars). 6 submissions from 6 submitters: Uncertain significance (4). 2 of the submissions do not count toward it. Last evaluated 2024-06-17.

Conditions:
Nephronophthisis. Also called: Juvenile Nephronophthisis. Identifiers: Orphanet 655, MedGen C0687120, MONDO:0019005, HP:0000090.
Meckel-Gruber syndrome. Also called: DYSENCEPHALIA SPLANCHNOCYSTICA; GRUBER SYNDROME; Dysencephalia splachnocystica. Identifiers: Orphanet 564, MedGen C0265215, MONDO:0018921.
Joubert syndrome. Also called: JOUBERT-BOLTSHAUSER SYNDROME; Familial aplasia of the vermis. Identifiers: Orphanet 475, MedGen C5979921, MONDO:0018772.
Leber congenital amaurosis (LCA). Also called: Leber's amaurosis. Identifiers: Orphanet 65, MedGen C0339527, MeSH D057130, MONDO:0018998.
CEP290-related disorder. Also called: CEP290-related condition; CEP290-related disorders. Identifiers: MedGen CN239314.
Joubert syndrome 5 (JBTS5). Identifiers: Orphanet 2318, MedGen C1857780, MONDO:0012432, OMIM 610188.
Meckel syndrome, type 4 (MKS4). Also called: MECKEL-GRUBER SYNDROME, TYPE 4. Identifiers: Orphanet 564, MedGen C1970161, MONDO:0012626, OMIM 611134.
Senior-Loken syndrome 6 (SLSN6). Identifiers: Orphanet 3156, MedGen C1857779, MONDO:0012433, OMIM 610189.
Bardet-Biedl syndrome 14 (BBS14). Identifiers: Orphanet 110, MedGen C2673874, MONDO:0014442, OMIM 615991.
Leber congenital amaurosis 10 (LCA10). Identifiers: Orphanet 65, MedGen C1857821, MONDO:0012723, OMIM 611755.

Allele frequency attached by ClinVar (database versions not stated): gnomAD 0.00006 and 0.00007; gnomAD exomes 0.00006 and 0.00010; TOPMed 0.00006.

Submissions (6):

Women's Health and Genetics/Laboratory Corporation of America, LabCorp
Classification: Uncertain significance. Last evaluated: 2024-06-17. Review status: criteria provided, single submitter. Criteria: LabCorp Variant Classification Summary - May 2015. Collection method: clinical testing. Allele origin: germline.

Fulgent Genetics
Classification: Uncertain significance for Joubert syndrome 5; Senior-Loken syndrome 6; Meckel syndrome, type 4; Leber congenital amaurosis 10; Bardet-Biedl syndrome 14. Last evaluated: 2024-06-07. Review status: criteria provided, single submitter. Criteria: ACMG Guidelines, 2015. Collection method: clinical testing. Allele origin: germline.

Labcorp Genetics (formerly Invitae), Labcorp
Classification: Uncertain significance for Joubert syndrome; Meckel-Gruber syndrome; Nephronophthisis. Last evaluated: 2022-10-13. Review status: criteria provided, single submitter. Criteria: Invitae Variant Classification Sherloc (09022015). Collection method: clinical testing. Allele origin: germline.
Comment: This sequence change falls in intron 30 of the CEP290 gene. It does not directly change the encoded amino acid sequence of the CEP290 protein. It affects a nucleotide within the consensus splice site. This variant is present in population databases (rs199520739, gnomAD 0.03%). This variant has not been reported in the literature in individuals affected with CEP290-related conditions. ClinVar contains an entry for this variant (Variation ID: 971113). Variants that disrupt the consensus splice site are a relatively common cause of aberrant splicing (PMID: 17576681, 9536098). Algorithms developed to predict the effect of sequence changes on RNA splicing suggest that this variant is not likely to affect RNA splicing. In summary, the available evidence is currently insufficient to determine the role of this variant in disease. Therefore, it has been classified as a Variant of Uncertain Significance.

Blueprint Genetics
Classification: Uncertain significance. Last evaluated: 2021-10-05. Review status: criteria provided, single submitter. Criteria: ACMG Guidelines, 2015. Collection method: clinical testing. Allele origin: germline.

PreventionGenetics, part of Exact Sciences
Classification: Likely benign for CEP290-related condition. Last evaluated: 2021-07-26. Review status: no assertion criteria provided. Collection method: clinical testing. Allele origin: germline. Not counted in ClinVar's aggregate classification.
Comment: This variant is classified as likely benign based on ACMG/AMP sequence variant interpretation guidelines (Richards et al. 2015 PMID: 25741868, with internal and published modifications).

Natera, Inc.
Classification: Uncertain significance for Leber congenital amaurosis. Last evaluated: 2020-02-26. Review status: no assertion criteria provided. Collection method: clinical testing. Allele origin: germline. Not counted in ClinVar's aggregate classification.

Literature cited by the submitters: PubMed 17576681 (cited by Labcorp Genetics (formerly Invitae), Labcorp); PubMed 9536098 (cited by Labcorp Genetics (formerly Invitae), Labcorp).

NM_025114.4(CEP290):c.3573+3A>G

Gene: CEP290 (centrosomal protein 290; minus strand). Cytogenetic location: 12q21.32.
Variant type: single nucleotide variant.
Coding change: c.3573+3A>G on transcript NM_025114.4 (MANE Select); 3 bases into the intron after coding-DNA position 3573, A replaced by G.
Molecular consequence: intron variant.
Genome position (GRCh38, 1-based): chr12:88,090,725, T>C on the plus strand (A>G on the coding strand, the complement: CEP290 is on the minus strand). VCF-style: chr12-88090725-T-C. GRCh37 (hg19) VCF-style: chr12-88484502-T-C.
Identifiers: ClinVar variation 971113 (VCV000971113.10), dbSNP rs199520739, ClinGen allele CA241165857.
Genomic context (GRCh38, chr12:88,090,725, plus strand): 5'-ACATCTAATGTAAATTTAGGGAAAAAAGTGGATTCTATGTAGAAGAGCCAATACTGCACA[T>C]ACCTGATAGTCTAGCAGTTGCATTCTGAGGGACTCTACTTCCTTGTCCCTAGATTGTTGT-3'